The following is an entry in ClinVar:

ClinVar aggregate classification (germline): Benign/Likely benign. Review status: criteria provided, multiple submitters, no conflicts (2 of 4 stars). 4 submissions from 4 submitters: Benign (1); Likely benign (2). 1 of the submissions does not count toward it. Last evaluated 2025-09-02.

Conditions:
NSD1-related disorder. Also called: NSD1-related condition.
Inborn genetic diseases. Identifiers: MedGen C0950123, MeSH D030342.

Allele frequency attached by ClinVar (database versions not stated): gnomAD exomes 0.00002 and 0.00006; ExAC 0.00012; gnomAD 0.00016 and 0.00018; TOPMed 0.00020; ESP Exome Variant Server 0.00046.
gnomAD v4.1: 48 of 1,614,094 alleles (0.003%); highest among the groups gnomAD compares: African/African-American, 0.059%; no homozygotes.

Submissions (4):

Labcorp Genetics (formerly Invitae), Labcorp
Classification: Benign. Last evaluated: 2025-09-02. Review status: criteria provided, single submitter. Criteria: Invitae Variant Classification Sherloc (09022015). Collection method: clinical testing. Allele origin: germline.

GeneDx
Classification: Likely benign. Last evaluated: 2021-11-04. Review status: criteria provided, single submitter. Criteria: GeneDx Variant Classification Process June 2021. Collection method: clinical testing. Allele origin: germline. Affected: yes.
Comment: See Variant Classification Assertion Criteria.

Ambry Genetics
Classification: Likely benign for Inborn genetic diseases. Last evaluated: 2017-06-21. Review status: criteria provided, single submitter. Criteria: Ambry Variant Classification Scheme 2023. Collection method: clinical testing. Allele origin: germline.

PreventionGenetics, part of Exact Sciences
Classification: Likely benign for NSD1-related condition. Last evaluated: 2024-07-10. Review status: no assertion criteria provided. Collection method: clinical testing. Allele origin: germline. Not counted in ClinVar's aggregate classification.
Comment: This variant is classified as likely benign based on ACMG/AMP sequence variant interpretation guidelines (Richards et al. 2015 PMID: 25741868, with internal and published modifications).

NM_022455.5(NSD1):c.2427G>A (p.Glu809=)

Gene: NSD1 (nuclear receptor binding SET domain protein 1; plus strand). Cytogenetic location: 5q35.3.
Variant type: single nucleotide variant.
Coding change: c.2427G>A on transcript NM_022455.5 (MANE Select); coding-DNA position 2427, G replaced by A.
Protein change: p.Glu809=; no amino-acid change (glutamic acid 809 retained).
Molecular consequence: synonymous variant.
Genome position (GRCh38, 1-based): chr5:177,210,826, G>A. VCF-style: chr5-177210826-G-A. GRCh37 (hg19) VCF-style: chr5-176637827-G-A.
Other names: c.1554G>A, p.Glu518= (NM_001365684.2, NM_001409306.1, NM_001409307.1 and 3 more transcripts); c.2427G>A, p.Glu809= (NM_001409301.1, NM_001409302.1, NM_001409303.1); c.2007G>A, p.Glu669= (NM_001409304.1); c.1674G>A, p.Glu558= (NM_001409305.1).
Identifiers: ClinVar variation 1166641 (VCV001166641.14), dbSNP rs61744224, ClinGen allele CA3577267.